The following is an entry in ClinVar:

ClinVar aggregate classification (germline): Likely benign (1 of 4 stars; one submission).

Allele frequency attached by ClinVar (database versions not stated): TOPMed below 0.00001; gnomAD 0.00001.
gnomAD v4.1: 14 of 1,613,716 alleles (0.00087%); highest among the groups gnomAD compares: Non-Finnish European, 0.0012%; no homozygotes.

Submission:

CeGaT Center for Human Genetics Tuebingen
Classification: Likely benign. Last evaluated: 2022-08-01. Review status: criteria provided, single submitter. Criteria: CeGaT Center For Human Genetics Tuebingen Variant Classification Criteria Version 2. Collection method: clinical testing. Allele origin: germline. Affected: yes. Observed: 1 variant allele.
Comment: KMT2C: BP4, BP7

NM_170606.3(KMT2C):c.8181C>T (p.Gly2727=)

Gene: KMT2C (lysine methyltransferase 2C; minus strand). Cytogenetic location: 7q36.1.
Variant type: single nucleotide variant.
Coding change: c.8181C>T on transcript NM_170606.3 (MANE Select); coding-DNA position 8181, C replaced by T.
Protein change: p.Gly2727=; no amino-acid change (glycine 2727 retained).
Molecular consequence: synonymous variant.
Genome position (GRCh38, 1-based): chr7:152,177,272, G>A on the plus strand (C>T on the coding strand, the complement: KMT2C is on the minus strand). VCF-style: chr7-152177272-G-A. GRCh37 (hg19) VCF-style: chr7-151874357-G-A.
Identifiers: ClinVar variation 1711665 (VCV001711665.30), dbSNP rs1322390862, ClinGen allele CA458887104.
Genomic context (GRCh38, chr7:152,177,272, plus strand): 5'-GTCATCCAGGTTGGGATCATTAGTTTCCAAATTATCTAAAGTATCCAATTCAACTACCTT[G>A]CCATCCTCTGTATCTAAATTTAAGTTTTCAAGATCTTCATCATCTAAGTCTTTGACTTCA-3'
Protein context (NP_733751.2, residues 2717-2737): LENLNLDTED[Gly2727=]KVVELDTLDN